The following is an entry in ClinVar:

NM_007294.4(BRCA1):c.5193+28A>C

Gene: BRCA1 (BRCA1 DNA repair associated; minus strand). Cytogenetic location: 17q21.31.
Variant type: single nucleotide variant.
Coding change: c.5193+28A>C on transcript NM_007294.4 (MANE Select); 28 bases into the intron after coding-DNA position 5193, A replaced by C.
Molecular consequence: intron variant.
Genome position (GRCh38, 1-based): chr17:43,063,305, T>G on the plus strand (A>C on the coding strand, the complement: BRCA1 is on the minus strand). VCF-style: chr17-43063305-T-G. GRCh37 (hg19) VCF-style: chr17-41215322-T-G.
Other names: c.1740+28A>C (NM_001408458.1, NM_001408461.1, NM_001408464.1 and 7 more transcripts); c.4302+28A>C (NM_001407967.1); c.4812+28A>C (NM_001407959.1); c.4926+28A>C (NM_001407931.1, NM_001407932.1, NM_001407928.1 and 4 more transcripts); c.5049+28A>C (NM_001407747.1, NM_001407745.1, NM_001407737.1 and 21 more transcripts); c.4809+28A>C (NM_001407962.1, NM_001407960.1); c.1380+28A>C (NM_001408512.1); c.1503+28A>C (NM_001408510.1); and 72 more.
Identifiers: ClinVar variation 865138 (VCV000865138.3), dbSNP rs1440184813, ClinGen allele CA916079978.

Conditions:
Breast-ovarian cancer, familial, susceptibility to, 1 (BROVCA1). Also called: BRCA1 Hereditary Breast and Ovarian Cancer; OVARIAN CANCER, SUSCEPTIBILITY TO. Identifiers: Orphanet 145, MedGen C2676676, MONDO:0011450, OMIM 604370. Disease mechanism: loss of function.

Submission:

Brotman Baty Institute, University of Washington
No classification provided (evidence only). Condition: Breast-ovarian cancer, familial 1. Review status: no classification provided. Collection method: in vitro. Allele origin: not applicable. Functional consequence: functionally_normal.
ClinVar note: "not provided" was previously submitted as the classification for the variant. However, the classification appeared to be based only on an observation of functional data so it was converted to no classification on 2025-07-30.